The following is an entry in ClinVar:

NM_001365276.2(TNXB):c.10489G>T (p.Ala3497Ser)

Gene: TNXB (tenascin XB; minus strand). Cytogenetic location: 6p21.33.
Variant type: single nucleotide variant.
Coding change: c.10489G>T on transcript NM_001365276.2 (MANE Select); coding-DNA position 10489, G replaced by T.
Protein change: p.Ala3497Ser; replaces alanine 3497 with serine.
Molecular consequence: missense variant.
Genome position (GRCh38, 1-based): chr6:32,046,292, C>A on the plus strand (G>T on the coding strand, the complement: TNXB is on the minus strand). VCF-style: chr6-32046292-C-A. GRCh37 (hg19) VCF-style: chr6-32014069-C-A.
Other names: p.Ala3495Ser; c.11230G>T, p.Ala3744Ser (NM_001428335.1); c.10483G>T, p.Ala3495Ser (NM_019105.8); short protein forms A3495S, A3497S, A3744S.
Identifiers: ClinVar variation 4541132 (VCV004541132.1).
Genomic context (GRCh38, chr6:32,046,292, plus strand): 5'-GCAGAAACTTGTATTTCTTGCCAGGCTCCAGGTCCTCTACGGTGACTGTGCGCTGGTCTG[C>A]GGCCACAGGCACTGCCCTGGGCTGCCCGTCCGTGTCCCTGTACTGGACCACGAAGGAGTC-3'
Protein context (NP_001352205.1, residues 3487-3507): DGQPRAVPVA[Ala3497Ser]DQRTVTVEDL

ClinVar aggregate classification (germline): Uncertain significance (1 of 4 stars; one submission).

gnomAD v4.1: 22 of 1,606,622 alleles (0.0014%); highest among the groups gnomAD compares: Non-Finnish European, 0.0016%; no homozygotes.

Submission:

Mayo Clinic Laboratories, Mayo Clinic
Classification: Uncertain significance. Last evaluated: 2025-08-08. Review status: criteria provided, single submitter. Criteria: ACMG Guidelines, 2015. Collection method: clinical testing. Allele origin: germline. Observed: 1 variant allele.
Comment: BP4_moderate